The following is an entry in ClinVar:

ClinVar aggregate classification (germline): Benign/Likely benign. Review status: criteria provided, multiple submitters, no conflicts (2 of 4 stars). 3 submissions from 3 submitters: Benign (1); Likely benign (2). Last evaluated 2026-04-17.

Conditions:
DICER1-related tumor predisposition. Also called: DICER1-related pleuropulmonary blastoma cancer predisposition syndrome; DICER1 syndrome. Identifiers: Orphanet 284343, MedGen C3839822, MONDO:0100216.
Hereditary cancer-predisposing syndrome. Also called: Hereditary neoplastic syndrome; Neoplastic Syndromes, Hereditary; Hereditary Cancer Syndrome; Tumor predisposition. Identifiers: Orphanet 140162, MedGen C0027672, MeSH D009386, MONDO:0015356.

Allele frequency attached by ClinVar (database versions not stated): gnomAD exomes below 0.00001.
gnomAD v4.1: 1 of 1,612,842 alleles (0.000062%); highest among the groups gnomAD compares: South Asian, 0.0011%; no homozygotes.

Submissions (3):

Myriad Genetics, Inc.
Classification: Benign for DICER1-related tumor predisposition. Last evaluated: 2026-04-17. Review status: criteria provided, single submitter. Criteria: Myriad Autosomal Dominant, Autosomal Recessive and X-Linked Classification Criteria (2023). Collection method: clinical testing. Allele origin: unknown.
Comment: This variant is considered benign. This variant is a silent/synonymous amino acid change and it is not expected to impact splicing.

Labcorp Genetics (formerly Invitae), Labcorp
Classification: Likely benign for DICER1-related tumor predisposition. Last evaluated: 2025-02-12. Review status: criteria provided, single submitter. Criteria: Invitae Variant Classification Sherloc (09022015). Collection method: clinical testing. Allele origin: germline.

Ambry Genetics
Classification: Likely benign for Hereditary cancer-predisposing syndrome. Last evaluated: 2017-08-17. Review status: criteria provided, single submitter. Criteria: Ambry Variant Classification Scheme 2023. Collection method: clinical testing. Allele origin: germline.

NM_177438.3(DICER1):c.4272G>A (p.Glu1424=)

Gene: DICER1 (dicer 1, ribonuclease III; minus strand). Cytogenetic location: 14q32.13.
Variant type: single nucleotide variant.
Coding change: c.4272G>A on transcript NM_177438.3 (MANE Select); coding-DNA position 4272, G replaced by A.
Protein change: p.Glu1424=; no amino-acid change (glutamic acid 1424 retained).
Molecular consequence: synonymous variant.
Genome position (GRCh38, 1-based): chr14:95,096,648, C>T on the plus strand (G>A on the coding strand, the complement: DICER1 is on the minus strand). VCF-style: chr14-95096648-C-T. GRCh37 (hg19) VCF-style: chr14-95562985-C-T.
Other names: c.4272G>A, p.Glu1424= (NM_001195573.1, NM_001271282.3, NM_001291628.2 and 1 more transcripts).
Identifiers: ClinVar variation 477198 (VCV000477198.18), dbSNP rs1208041583, ClinGen allele CA487844323.